The following is an entry in ClinVar:

ClinVar aggregate classification (germline): Likely pathogenic (1 of 4 stars; one submission).

gnomAD v4.1: 1 of 1,614,102 alleles (0.000062%); highest among the groups gnomAD compares: Non-Finnish European, 0.000085%; no homozygotes.

Submission:

GeneDx
Classification: Likely pathogenic. Last evaluated: 2026-08-26. Review status: criteria provided, single submitter. Criteria: GeneDx Variant Classification Process June 2021. Collection method: clinical testing. Allele origin: germline.
Comment: In silico analysis supports that this missense variant has a deleterious effect on protein structure/function; Not observed at significant frequency in large population cohorts (gnomAD); This variant is associated with the following publications: (PMID: 33057194, 35982159)

NM_002661.5(PLCG2):c.3430G>A (p.Asp1144Asn)

Gene: PLCG2 (phospholipase C gamma 2; plus strand). Cytogenetic location: 16q23.3.
Variant type: single nucleotide variant.
Coding change: c.3430G>A on transcript NM_002661.5 (MANE Select); coding-DNA position 3430, G replaced by A.
Protein change: p.Asp1144Asn; replaces aspartic acid 1144 with asparagine.
Molecular consequence: missense variant.
Genome position (GRCh38, 1-based): chr16:81,940,008, G>A. VCF-style: chr16-81940008-G-A. GRCh37 (hg19) VCF-style: chr16-81973613-G-A.
Other names: short protein forms D1144N.
Identifiers: ClinVar variation 1328599 (VCV001328599.3), dbSNP rs769393894, ClinGen allele CA396908831.